The following is an entry in ClinVar:

ClinVar aggregate classification (germline): Uncertain significance. Review status: criteria provided, multiple submitters, no conflicts (2 of 4 stars). 2 submissions from 2 submitters: Uncertain significance (2). Last evaluated 2021-08-28.

Submissions (2):

Labcorp Genetics (formerly Invitae), Labcorp
Classification: Uncertain significance. Last evaluated: 2021-08-28. Review status: criteria provided, single submitter. Criteria: Invitae Variant Classification Sherloc (09022015). Collection method: clinical testing. Allele origin: germline.
Comment: This sequence change replaces serine with cysteine at codon 113 of the ECHS1 protein (p.Ser113Cys). The serine residue is moderately conserved and there is a moderate physicochemical difference between serine and cysteine. This variant is not present in population databases (ExAC no frequency). This variant has not been reported in the literature in individuals affected with ECHS1-related conditions. Advanced modeling of protein sequence and biophysical properties (such as structural, functional, and spatial information, amino acid conservation, physicochemical variation, residue mobility, and thermodynamic stability) performed at Invitae indicates that this missense variant is expected to disrupt ECHS1 protein function. In summary, the available evidence is currently insufficient to determine the role of this variant in disease. Therefore, it has been classified as a Variant of Uncertain Significance.

Breakthrough Genomics
Classification: Uncertain significance. Review status: criteria provided, single submitter. Criteria: ACMG Guidelines, 2015. Collection method: not provided. Allele origin: germline. Inheritance: Autosomal recessive inheritance. Affected: yes.

NM_004092.4(ECHS1):c.338C>G (p.Ser113Cys)

Gene: ECHS1 (enoyl-CoA hydratase, short chain 1; minus strand). Cytogenetic location: 10q26.3.
Variant type: single nucleotide variant.
Coding change: c.338C>G on transcript NM_004092.4 (MANE Select); coding-DNA position 338, C replaced by G.
Protein change: p.Ser113Cys; replaces serine 113 with cysteine.
Molecular consequence: missense variant.
Genome position (GRCh38, 1-based): chr10:133,369,980, G>C on the plus strand (C>G on the coding strand, the complement: ECHS1 is on the minus strand). VCF-style: chr10-133369980-G-C. GRCh37 (hg19) VCF-style: chr10-135183484-G-C.
Other names: short protein forms S113C.
Identifiers: ClinVar variation 1478878 (VCV001478878.6), dbSNP rs2133442686, ClinGen allele CA378821724.